The following is an entry in ClinVar:

NM_000340.2(SLC2A2):c.1437C>T (p.Phe479=)

Gene: SLC2A2 (solute carrier family 2 member 2; minus strand). Cytogenetic location: 3q26.2.
Variant type: single nucleotide variant.
Coding change: c.1437C>T on transcript NM_000340.2 (MANE Select); coding-DNA position 1437, C replaced by T.
Protein change: p.Phe479=; no amino-acid change (phenylalanine 479 retained).
Molecular consequence: synonymous variant.
Genome position (GRCh38, 1-based): chr3:170,998,041, G>A on the plus strand (C>T on the coding strand, the complement: SLC2A2 is on the minus strand). VCF-style: chr3-170998041-G-A. GRCh37 (hg19) VCF-style: chr3-170715830-G-A.
Other names: c.1080C>T, p.Phe360= (NM_001278658.2); c.918C>T, p.Phe306= (NM_001278659.2).
Identifiers: ClinVar variation 130348 (VCV000130348.29), dbSNP rs5398, ClinGen allele CA020007.

ClinVar aggregate classification (germline): Conflicting classifications of pathogenicity. Review status: criteria provided, conflicting classifications (1 of 4 stars). 10 submissions from 10 submitters: Uncertain significance (1); Benign (7). 2 of the submissions do not count toward it. Last evaluated 2026-02-04.

Conditions:
Fanconi-Bickel syndrome (FBS). Also called: Glycogen storage disease due to GLUT2 deficiency; FANCONI SYNDROME WITH INTESTINAL MALABSORPTION AND GALACTOSE INTOLERANCE; HEPATIC GLYCOGENOSIS WITH AMINO ACIDURIA AND GLUCOSURIA; HEPATIC GLYCOGENOSIS WITH FANCONI NEPHROPATHY; HEPATORENAL GLYCOGENOSIS WITH RENAL FANCONI SYNDROME; PSEUDO-PHLORIZIN DIABETES. Identifiers: Orphanet 2088, MedGen C3495427, MONDO:0009216, OMIM 227810.
Type 2 diabetes mellitus. Also called: Type II diabetes mellitus. Identifiers: MedGen C0011860, MeSH D003924, MONDO:0005148, OMIM 125853, HP:0005978.

Allele frequency attached by ClinVar (database versions not stated): gnomAD exomes 0.29404; 1000 Genomes Project 0.37260; gnomAD 0.37611 and 0.38373; 1000 Genomes Project 30x 0.38242; TOPMed 0.39202; ESP Exome Variant Server 0.39643.
gnomAD v4.1: 488,077 of 1,613,122 alleles (30%); highest among the groups gnomAD compares: African/African-American, 60%; 78,050 homozygotes.

Submissions (10):

Labcorp Genetics (formerly Invitae), Labcorp
Classification: Benign for Fanconi-Bickel syndrome. Last evaluated: 2026-02-04. Review status: criteria provided, single submitter. Criteria: Invitae Variant Classification Sherloc (09022015). Collection method: clinical testing. Allele origin: germline.

Blueprint Genetics
Classification: Benign. Last evaluated: 2024-11-26. Review status: criteria provided, single submitter. Criteria: ACMG Guidelines, 2015. Collection method: clinical testing. Allele origin: germline.

Genome-Nilou Lab
Classification: Benign for Fanconi-Bickel syndrome. Last evaluated: 2021-07-15. Review status: criteria provided, single submitter. Criteria: ACMG Guidelines, 2015. Collection method: clinical testing. Allele origin: germline. Affected: no.

Illumina Laboratory Services, Illumina
Classification: Benign for Fanconi-Bickel syndrome. Last evaluated: 2018-01-12. Review status: criteria provided, single submitter. Criteria: ICSL Variant Classification Criteria 13 December 2019. Collection method: clinical testing. Allele origin: germline.
Comment: This variant was observed in the ICSL laboratory as part of a predisposition screen in an ostensibly healthy population. It had not been previously curated by ICSL or reported in the Human Gene Mutation Database (HGMD: prior to June 1st, 2018), and was therefore a candidate for classification through an automated scoring system. Utilizing variant allele frequency, disease prevalence and penetrance estimates, and inheritance mode, an automated score was calculated to assess if this variant is too frequent to cause the disease. Based on the score and internal cut-off values, a variant classified as benign is not then subjected to further curation. The score for this variant resulted in a classification of benign for this disease.

Laboratory for Molecular Medicine, Mass General Brigham Personalized Medicine
Classification: Benign. Last evaluated: 2016-03-21. Review status: criteria provided, single submitter. Criteria: LMM Criteria. Collection method: clinical testing. Allele origin: germline. Observed: 1 variant allele.
Comment: p.Phe479Phe in exon 11 of SLC2A2: This variant is not expected to have clinical significance because it does not alter an amino acid residue, is not located wit hin the splice consensus sequence, and has been identified in 63.54% (840/1322) of African chromosomes by the 1000 Genomes Project (Phase 3; dbSNP rs5398).

GeneDx
Classification: Benign. Last evaluated: 2015-12-04. Review status: criteria provided, single submitter. Criteria: GeneDx Variant Classification (06012015). Collection method: clinical testing. Allele origin: germline. Affected: yes.
Comment: This variant is considered likely benign or benign based on one or more of the following criteria: it is a conservative change, it occurs at a poorly conserved position in the protein, it is predicted to be benign by multiple in silico algorithms, and/or has population frequency not consistent with disease.

Clinical Genomics, Uppaluri K&H Personalized Medicine Clinic
Classification: Uncertain significance for Type 2 diabetes mellitus. Review status: criteria provided, single submitter. Criteria: K&H Uppaluri Personalized Medicine Clinic Variant Classification & Assertion Criteria. Collection method: research. Allele origin: somatic. Inheritance: Autosomal dominant inheritance.
Comment: Associated with neonatal diabetes, glycogen accumulation in liver leading to hepatomegaly.

PreventionGenetics, part of Exact Sciences
Classification: Benign. Review status: criteria provided, single submitter. Criteria: ACMG Guidelines, 2015. Collection method: clinical testing. Allele origin: germline.

Mayo Clinic Laboratories, Mayo Clinic
Classification: Benign. Last evaluated: 2015-10-22. Review status: no assertion criteria provided. Collection method: clinical testing. Allele origin: unknown. Not counted in ClinVar's aggregate classification.

Genetic Services Laboratory, University of Chicago
Classification: Likely benign for AllHighlyPenetrant. Review status: no assertion criteria provided. Collection method: clinical testing. Allele origin: germline. Inheritance: Autosomal recessive inheritance. Not counted in ClinVar's aggregate classification.
Comment: Likely benign based on allele frequency in 1000 Genomes Project or ESP global frequency and its presence in a patient with a rare or unrelated disease phenotype. NOT Sanger confirmed.

Literature cited by the submitters: PubMed 27035118 (cited by Clinical Genomics, Uppaluri K&H Personalized Medicine Clinic).